The following is an entry in ClinVar:

ClinVar aggregate classification (germline): Uncertain significance (1 of 4 stars; one submission).

Submission:

Ambry Genetics
Classification: Uncertain significance. Last evaluated: 2024-06-14. Review status: criteria provided, single submitter. Criteria: Ambry Variant Classification Scheme 2023. Collection method: clinical testing. Allele origin: germline.
Comment: The p.A83V variant (also known as c.248C>T), located in coding exon 3 of the ALPK2 gene, results from a C to T substitution at nucleotide position 248. The alanine at codon 83 is replaced by valine, an amino acid with similar properties. This amino acid position is conserved. In addition, the in silico prediction for this alteration is inconclusive. Based on the available evidence, the clinical significance of this variant remains unclear.

NM_052947.4(ALPK2):c.248C>T (p.Ala83Val)

Gene: ALPK2 (alpha kinase 2; minus strand). Cytogenetic location: 18q21.31.
Variant type: single nucleotide variant.
Coding change: c.248C>T on transcript NM_052947.4 (MANE Select); coding-DNA position 248, C replaced by T.
Protein change: p.Ala83Val; replaces alanine 83 with valine.
Molecular consequence: missense variant.
Genome position (GRCh38, 1-based): chr18:58,580,528, G>A on the plus strand (C>T on the coding strand, the complement: ALPK2 is on the minus strand). VCF-style: chr18-58580528-G-A. GRCh37 (hg19) VCF-style: chr18-56247760-G-A.
Other names: short protein forms A83V.
Identifiers: ClinVar variation 3289362 (VCV003289362.1).